The following is an entry in ClinVar:

ClinVar aggregate classification (germline): Uncertain significance. Review status: criteria provided, multiple submitters, no conflicts (2 of 4 stars). 3 submissions from 3 submitters: Uncertain significance (3). Last evaluated 2025-08-26.

Conditions:
C3 glomerulonephritis. Also called: C3 GLOMERULOPATHY 3; Nephropathy due to CFHR5 Deficiency. Identifiers: Orphanet 329931, MedGen C4055342, MONDO:0013892, OMIM 614809.
Inborn genetic diseases. Identifiers: MedGen C0950123, MeSH D030342.

gnomAD v4.1: 8 of 1,610,658 alleles (0.0005%); highest among the groups gnomAD compares: Admixed American, 0.0067%; no homozygotes.

Submissions (3):

Ambry Genetics
Classification: Uncertain significance for Inborn genetic diseases. Last evaluated: 2025-08-26. Review status: criteria provided, single submitter. Criteria: Ambry Variant Classification Scheme 2023. Collection method: clinical testing. Allele origin: germline.

Labcorp Genetics (formerly Invitae), Labcorp
Classification: Uncertain significance. Last evaluated: 2024-12-12. Review status: criteria provided, single submitter. Criteria: Invitae Variant Classification Sherloc (09022015). Collection method: clinical testing. Allele origin: germline.
Comment: This sequence change replaces threonine, which is neutral and polar, with lysine, which is basic and polar, at codon 200 of the CFHR5 protein (p.Thr200Lys). This variant is present in population databases (rs757424508, gnomAD 0.006%). This variant has not been reported in the literature in individuals affected with CFHR5-related conditions. Invitae Evidence Modeling of protein sequence and biophysical properties (such as structural, functional, and spatial information, amino acid conservation, physicochemical variation, residue mobility, and thermodynamic stability) indicates that this missense variant is not expected to disrupt CFHR5 protein function with a negative predictive value of 80%. In summary, the available evidence is currently insufficient to determine the role of this variant in disease. Therefore, it has been classified as a Variant of Uncertain Significance.

Fulgent Genetics
Classification: Uncertain significance for C3 glomerulonephritis. Last evaluated: 2024-06-06. Review status: criteria provided, single submitter. Criteria: ACMG Guidelines, 2015. Collection method: clinical testing. Allele origin: germline.

NM_030787.4(CFHR5):c.599C>A (p.Thr200Lys)

Gene: CFHR5 (complement factor H related 5; plus strand). Cytogenetic location: 1q31.3.
Variant type: single nucleotide variant.
Coding change: c.599C>A on transcript NM_030787.4 (MANE Select); coding-DNA position 599, C replaced by A.
Protein change: p.Thr200Lys; replaces threonine 200 with lysine.
Molecular consequence: missense variant.
Genome position (GRCh38, 1-based): chr1:196,994,248, C>A. VCF-style: chr1-196994248-C-A. GRCh37 (hg19) VCF-style: chr1-196963378-C-A.
Other names: short protein forms T200K.
Identifiers: ClinVar variation 3575862 (VCV003575862.4).